The following is an entry in ClinVar:

NM_032776.3(JMJD1C):c.5756C>T (p.Ala1919Val)

Gene: JMJD1C (jumonji domain containing 1C; minus strand). Cytogenetic location: 10q21.3.
Variant type: single nucleotide variant.
Coding change: c.5756C>T on transcript NM_032776.3 (MANE Select); coding-DNA position 5756, C replaced by T.
Protein change: p.Ala1919Val; replaces alanine 1919 with valine.
Molecular consequence: missense variant. On other transcripts: non-coding transcript variant (1).
Genome position (GRCh38, 1-based): chr10:63,193,451, G>A on the plus strand (C>T on the coding strand, the complement: JMJD1C is on the minus strand). VCF-style: chr10-63193451-G-A. GRCh37 (hg19) VCF-style: chr10-64953211-G-A.
Other names: c.5210C>T, p.Ala1737Val (NM_001282948.2, NM_001318154.2); c.4892C>T, p.Ala1631Val (NM_001318153.2); c.5642C>T, p.Ala1881Val (NM_001322252.2); c.5099C>T, p.Ala1700Val (NM_001322254.2, NM_001322258.2); short protein forms A1700V, A1737V, A1881V, A1919V, A1631V.
Identifiers: ClinVar variation 2008000 (VCV002008000.4), dbSNP rs2133012137, ClinGen allele CA377027859.

ClinVar aggregate classification (germline): Uncertain significance (1 of 4 stars; one submission).

Conditions:
Early Myoclonic Encephalopathy. Identifiers: MedGen C0270855.

Submission:

Labcorp Genetics (formerly Invitae), Labcorp
Classification: Uncertain significance for Early Myoclonic Encephalopathy. Last evaluated: 2022-06-18. Review status: criteria provided, single submitter. Criteria: Invitae Variant Classification Sherloc (09022015). Collection method: clinical testing. Allele origin: germline.
Comment: In summary, the available evidence is currently insufficient to determine the role of this variant in disease. Therefore, it has been classified as a Variant of Uncertain Significance. Algorithms developed to predict the effect of missense changes on protein structure and function output the following: SIFT: "Tolerated"; PolyPhen-2: "Benign"; Align-GVGD: "Class C0". The valine amino acid residue is found in multiple mammalian species, which suggests that this missense change does not adversely affect protein function. This variant has not been reported in the literature in individuals affected with JMJD1C-related conditions. This variant is not present in population databases (gnomAD no frequency). This sequence change replaces alanine, which is neutral and non-polar, with valine, which is neutral and non-polar, at codon 1919 of the JMJD1C protein (p.Ala1919Val).